The following is an entry in ClinVar:

NM_001164508.2(NEB):c.12554G>A (p.Trp4185Ter)

Gene: NEB (nebulin; minus strand). Cytogenetic location: 2q23.3.
Variant type: single nucleotide variant.
Coding change: c.12554G>A on transcript NM_001164508.2 (MANE Select); coding-DNA position 12554, G replaced by A.
Protein change: p.Trp4185Ter; replaces tryptophan 4185 with a stop codon.
Molecular consequence: nonsense. On other transcripts: intron variant (1).
Genome position (GRCh38, 1-based): chr2:151,607,589, C>T on the plus strand (G>A on the coding strand, the complement: NEB is on the minus strand). VCF-style: chr2-151607589-C-T. GRCh37 (hg19) VCF-style: chr2-152464103-C-T.
Other names: c.12554G>A, p.Trp4185Ter (NM_001164507.2, NM_001271208.2); c.11601+2220G>A (NM_004543.5); short protein forms W4185*.
Identifiers: ClinVar variation 1961466 (VCV001961466.6), dbSNP rs2552225596, ClinGen allele CA348775165.

ClinVar aggregate classification (germline): Pathogenic/Likely pathogenic. Review status: criteria provided, multiple submitters, no conflicts (2 of 4 stars). 2 submissions from 2 submitters: Pathogenic (1); Likely pathogenic (1). Last evaluated 2026-01-09.

Conditions:
Nemaline myopathy 2 (NEM2). Also called: Nemaline myopathy 2, autosomal recessive. Identifiers: MedGen C1850569, MONDO:0009725, OMIM 256030.

Submissions (2):

Natera, Inc.
Classification: Likely pathogenic for Nemaline myopathy type 2. Last evaluated: 2026-01-09. Review status: criteria provided, single submitter. Criteria: Natera Variant Classification Schema (03/2026). Collection method: clinical testing. Allele origin: germline.
Comment: The c.12554G>A variant in NEB is a nonsense variant predicted to introduce a stop codon at amino acid 4185. This variant is expected to result in nonsense mediated decay, truncation, or a dysfunctional protein product. This variant is rare in the general population with a frequency below the threshold expected for the associated phenotype(s). Given the available evidence, this variant is classified as Likely Pathogenic.

Labcorp Genetics (formerly Invitae), Labcorp
Classification: Pathogenic for Nemaline myopathy 2. Last evaluated: 2022-05-14. Review status: criteria provided, single submitter. Criteria: Invitae Variant Classification Sherloc (09022015). Collection method: clinical testing. Allele origin: germline.
Comment: This variant occurs in a region of NEB (Exons 82-105) consisting of three highly homologous 8-exon repeat units (exons 82-89, exons 90-97, exons 98-105). Sequence variants in this region can be detected, but this assay cannot determine which of the three repeat units is affected, and zygosity is often ambiguous. All variants in this region are reported relative to the exon 82-89 repeat. For these reasons, this variant has been classified as Pathogenic. This variant has not been reported in the literature in individuals affected with NEB-related conditions. The frequency data for this variant in the population databases (gnomAD) is considered unreliable due to the presence of homologous sequence, such as pseudogenes or paralogs, in the genome. This sequence change creates a premature translational stop signal (p.Trp4185*) in the NEB gene. It is expected to result in an absent or disrupted protein product. Loss-of-function variants in NEB are known to be pathogenic (PMID: 25205138).

Literature cited by the submitters: PubMed 25205138 (cited by Labcorp Genetics (formerly Invitae), Labcorp).